The following is an entry in ClinVar:

ClinVar aggregate classification (germline): Pathogenic (1 of 4 stars; one submission).

Conditions:
Familial hypobetalipoproteinemia 1. Also called: Hypobetalipoproteinemia, normotriglyceridemic; Acanthocytosis with hypobetalipoproteinemia; APOB-Related Familial Hypobetalipoproteinemia. Identifiers: MedGen C4551990, MONDO:0014252, OMIM 615558.
Hypercholesterolemia, autosomal dominant, type B (FHCL2). Also called: Familial Hypercholesterolemia Type B; HYPERCHOLESTEROLEMIA, FAMILIAL, DUE TO LIGAND-DEFECTIVE APOLIPOPROTEIN B; Familial hypercholesterolemia 2; APOB-Related Familial Hypercholesterolemia, Autosomal Dominant; APOLIPOPROTEIN B-100, FAMILIAL DEFECTIVE; APOLIPOPROTEIN B-100, FAMILIAL LIGAND-DEFECTIVE. Identifiers: MedGen C1704417, MONDO:0007751, OMIM 144010.

Submission:

Labcorp Genetics (formerly Invitae), Labcorp
Classification: Pathogenic for Familial hypobetalipoproteinemia 1; Hypercholesterolemia, autosomal dominant, type B. Last evaluated: 2024-05-04. Review status: criteria provided, single submitter. Criteria: Invitae Variant Classification Sherloc (09022015). Collection method: clinical testing. Allele origin: germline.
Comment: This sequence change creates a premature translational stop signal (p.Val2384Aspfs*6) in the APOB gene. It is expected to result in an absent or disrupted protein product. Loss-of-function variants in APOB are known to be pathogenic (PMID: 20032471). This variant is not present in population databases (gnomAD no frequency). This premature translational stop signal has been observed in individual(s) with hypobetalipoproteinemia (PMID: 8354962). This variant is also known as a 5 bp deletion resulting in a frameshift at amino acid residue 2357. ClinVar contains an entry for this variant (Variation ID: 921367). For these reasons, this variant has been classified as Pathogenic.

Literature cited by the submitters: PubMed 20032471; PubMed 8354962.

NM_000384.3(APOB):c.7151_7155del (p.Val2384fs)

Gene: APOB (apolipoprotein B; minus strand). Cytogenetic location: 2p24.1.
Variant type: Deletion.
Coding change: c.7151_7155del on transcript NM_000384.3 (MANE Select); coding-DNA positions 7151 to 7155, 5 bases deleted (TTAAG; older notation c.7151_7155delTTAAG).
Protein change: p.Val2384fs; shifts the reading frame from valine 2384.
Molecular consequence: frameshift variant.
Genome position (GRCh38, 1-based): chr2:21,009,713-21,009,717, CTTAA deleted on the plus strand (TTAAG on the coding strand, the reverse complement: APOB is on the minus strand); deleting any 5 consecutive bases within chr2:21,009,713-21,009,720 gives the same sequence; the c. name uses the placement nearest the transcript's 3' end. VCF-style (leftmost placement, unchanged base first): chr2-21009712-TCTTAA-T. GRCh37 (hg19) VCF-style: chr2-21232584-TCTTAA-T.
Other names: short protein forms V2384fs.
Identifiers: ClinVar variation 921367 (VCV000921367.10), dbSNP rs1441446862, ClinGen allele CA764117866.